The following is an entry in ClinVar:

NM_000293.3(PHKB):c.245C>G (p.Ala82Gly)

Genes: PHKB (phosphorylase kinase regulatory subunit beta; plus strand), LOC112449713 (Sharpr-MPRA regulatory region 10524; plus strand). Cytogenetic location: 16q12.1.
Variant type: single nucleotide variant.
Coding change: c.245C>G on transcript NM_000293.3 (MANE Select); coding-DNA position 245, C replaced by G.
Protein change: p.Ala82Gly; replaces alanine 82 with glycine.
Molecular consequence: missense variant.
Genome position (GRCh38, 1-based): chr16:47,499,834, C>G. VCF-style: chr16-47499834-C-G. GRCh37 (hg19) VCF-style: chr16-47533745-C-G.
Other names: c.224C>G, p.Ala75Gly (NM_001031835.3); c.245C>G, p.Ala82Gly (NM_001363837.1); short protein forms A82G, A75G.
Identifiers: ClinVar variation 577258 (VCV000577258.6), dbSNP rs754835322, ClinGen allele CA8040410.

ClinVar aggregate classification (germline): Uncertain significance (1 of 4 stars; one submission).

Conditions:
Glycogen storage disease IXb (GSD9B). Also called: PHOSPHORYLASE KINASE DEFICIENCY OF LIVER AND MUSCLE, AUTOSOMAL RECESSIVE; GLYCOGENOSIS OF LIVER AND MUSCLE, AUTOSOMAL RECESSIVE; GSD IXb. Identifiers: Orphanet 79240, MedGen C0543514, MONDO:0009868, OMIM 261750.

Allele frequency attached by ClinVar (database versions not stated): gnomAD 0.00001; gnomAD exomes 0.00001; ExAC 0.00002.
gnomAD v4.1: 9 of 1,614,044 alleles (0.00056%); highest among the groups gnomAD compares: East Asian, 0.013%; no homozygotes.

Submission:

Labcorp Genetics (formerly Invitae), Labcorp
Classification: Uncertain significance for Glycogen storage disease IXb. Last evaluated: 2021-08-31. Review status: criteria provided, single submitter. Criteria: Invitae Variant Classification Sherloc (09022015). Collection method: clinical testing. Allele origin: germline.
Comment: This sequence change replaces alanine with glycine at codon 82 of the PHKB protein (p.Ala82Gly). The alanine residue is moderately conserved and there is a small physicochemical difference between alanine and glycine. This variant is present in population databases (rs754835322, ExAC 0.01%). This variant has not been reported in the literature in individuals affected with PHKB-related conditions. Algorithms developed to predict the effect of missense changes on protein structure and function (SIFT, PolyPhen-2, Align-GVGD) all suggest that this variant is likely to be tolerated. In summary, the available evidence is currently insufficient to determine the role of this variant in disease. Therefore, it has been classified as a Variant of Uncertain Significance.